The following is an entry in ClinVar:

NM_020964.3(EPG5):c.7558-11G>A

Gene: EPG5 (ectopic P-granules 5 autophagy tethering factor; minus strand). Cytogenetic location: 18q12.3.
Variant type: single nucleotide variant.
Coding change: c.7558-11G>A on transcript NM_020964.3 (MANE Select); 11 bases into the intron before coding-DNA position 7558, G replaced by A.
Molecular consequence: intron variant.
Genome position (GRCh38, 1-based): chr18:45,852,660, C>T on the plus strand (G>A on the coding strand, the complement: EPG5 is on the minus strand). VCF-style: chr18-45852660-C-T. GRCh37 (hg19) VCF-style: chr18-43432625-C-T.
Identifiers: ClinVar variation 402831 (VCV000402831.19), dbSNP rs57761448, ClinGen allele CA8947955.

ClinVar aggregate classification (germline): Benign. Review status: criteria provided, multiple submitters, no conflicts (2 of 4 stars). 6 submissions from 6 submitters: Benign (6). Last evaluated 2026-02-04.

Conditions:
Vici syndrome (VICIS). Identifiers: Orphanet 1493, MedGen C1855772, MONDO:0009452, OMIM 242840.

Allele frequency attached by ClinVar (database versions not stated): gnomAD exomes 0.10542 and 0.10517; ExAC 0.10564; ESP Exome Variant Server 0.10576; 1000 Genomes Project 30x 0.10290; 1000 Genomes Project 0.10323; gnomAD 0.10443 and 0.10601; TOPMed 0.10602.
gnomAD v4.1: 169,262 of 1,610,974 alleles (11%); highest among the groups gnomAD compares: East Asian, 15%; 9,480 homozygotes.

Submissions (6):

Labcorp Genetics (formerly Invitae), Labcorp
Classification: Benign for Vici syndrome. Last evaluated: 2026-02-04. Review status: criteria provided, single submitter. Criteria: Invitae Variant Classification Sherloc (09022015). Collection method: clinical testing. Allele origin: germline.

Blueprint Genetics
Classification: Benign. Last evaluated: 2024-11-28. Review status: criteria provided, single submitter. Criteria: ACMG Guidelines, 2015. Collection method: clinical testing. Allele origin: germline.

Unidad de Genómica Garrahan, Hospital de Pediatría Garrahan
Classification: Benign. Last evaluated: 2024-01-24. Review status: criteria provided, single submitter. Criteria: ACMG Guidelines, 2015. Collection method: clinical testing. Allele origin: germline. Affected: no. Observed: 24 variant alleles.
Comment: This variant is classified as Benign based on local population frequency. This variant was detected in 25% of patients studied by a panel of primary immunodeficiencies. Number of patients: 24. Only high quality variants are reported.

GeneDx
Classification: Benign. Last evaluated: 2018-04-02. Review status: criteria provided, single submitter. Criteria: GeneDx Variant Classification (06012015). Collection method: clinical testing. Allele origin: germline. Affected: yes.
Comment: This variant is considered likely benign or benign based on one or more of the following criteria: it is a conservative change, it occurs at a poorly conserved position in the protein, it is predicted to be benign by multiple in silico algorithms, and/or has population frequency not consistent with disease.

Laboratory for Molecular Medicine, Mass General Brigham Personalized Medicine
Classification: Benign. Last evaluated: 2016-03-29. Review status: criteria provided, single submitter. Criteria: LMM Criteria. Collection method: clinical testing. Allele origin: germline.
Comment: Variant identified in a genome or exome case(s) and assessed due to predicted null impact of the variant or pathogenic assertions in the literature or databases. Disclaimer: This variant has not undergone full assessment. The following are preliminary notes: Frequency

Breakthrough Genomics
Classification: Benign. Review status: criteria provided, single submitter. Criteria: ACMG Guidelines, 2015. Collection method: not provided. Allele origin: germline. Inheritance: Autosomal recessive inheritance. Affected: yes.